The following is an entry in ClinVar:

ClinVar aggregate classification (germline): Uncertain significance (1 of 4 stars; one submission).

Conditions:
Cardiovascular phenotype. Identifiers: MedGen CN230736.

Allele frequency attached by ClinVar (database versions not stated): TOPMed below 0.00001; gnomAD 0.00001.

Submission:

Ambry Genetics
Classification: Uncertain significance for Cardiovascular phenotype. Last evaluated: 2022-11-20. Review status: criteria provided, single submitter. Criteria: Ambry Variant Classification Scheme 2023. Collection method: clinical testing. Allele origin: germline.
Comment: The p.R217G variant (also known as c.649A>G), located in coding exon 5 of the SOS1 gene, results from an A to G substitution at nucleotide position 649. The arginine at codon 217 is replaced by glycine, an amino acid with dissimilar properties. This amino acid position is conserved. In addition, this alteration is predicted to be deleterious by in silico analysis. Since supporting evidence is limited at this time, the clinical significance of this alteration remains unclear.

NM_005633.4(SOS1):c.649A>G (p.Arg217Gly)

Gene: SOS1 (SOS Ras/Rac guanine nucleotide exchange factor 1; minus strand). Cytogenetic location: 2p22.1.
Variant type: single nucleotide variant.
Coding change: c.649A>G on transcript NM_005633.4 (MANE Select); coding-DNA position 649, A replaced by G.
Protein change: p.Arg217Gly; replaces arginine 217 with glycine.
Molecular consequence: missense variant.
Genome position (GRCh38, 1-based): chr2:39,054,685, T>C on the plus strand (A>G on the coding strand, the complement: SOS1 is on the minus strand). VCF-style: chr2-39054685-T-C. GRCh37 (hg19) VCF-style: chr2-39281826-T-C.
Other names: c.628A>G, p.Arg210Gly (NM_001382394.1); c.649A>G, p.Arg217Gly (NM_001382395.1); short protein forms R210G, R217G.
Identifiers: ClinVar variation 2453692 (VCV002453692.2), dbSNP rs1402313689, ClinGen allele CA346373058.